The following is an entry in ClinVar:

ClinVar aggregate classification (germline): Uncertain significance (1 of 4 stars; one submission).

Conditions:
Long QT syndrome (LQTS). Identifiers: MedGen C0023976, MeSH D008133, MONDO:0002442. Disease mechanism: loss of function. Inheritance: Various modes of inheritance.

Submission:

All of Us Research Program, National Institutes of Health
Classification: Uncertain significance for Long QT syndrome. Last evaluated: 2023-09-17. Review status: criteria provided, single submitter. Criteria: ACMG Guidelines, 2015. Collection method: clinical testing. Allele origin: germline. Inheritance: Autosomal dominant inheritance. Observed: 1 variant allele, 1 heterozygote.
Comment: This missense variant replaces isoleucine with phenylalanine at codon 787 of the KCNH2 protein. Computational prediction suggests that this variant may have deleterious impact on protein structure and function (internally defined REVEL score threshold >= 0.7, PMID: 27666373). To our knowledge, functional studies have not been reported for this variant. This variant has not been reported in individuals affected with KCNH2-related disorders in the literature. This variant has not been identified in the general population by the Genome Aggregation Database (gnomAD). The available evidence is insufficient to determine the role of this variant in disease conclusively. Therefore, this variant is classified as a Variant of Uncertain Significance.

This study involves interpretation of variants in research participants for the purpose of population health screening. Participant phenotype was not available at the time of variant classification. Additional details can be found in publication PMID: 35346344, PMCID: PMC8962531

NM_000238.4(KCNH2):c.2359A>T (p.Ile787Phe)

Gene: KCNH2 (potassium voltage-gated channel subfamily H member 2; minus strand). Cytogenetic location: 7q36.1.
Variant type: single nucleotide variant.
Coding change: c.2359A>T on transcript NM_000238.4 (MANE Select); coding-DNA position 2359, A replaced by T.
Protein change: p.Ile787Phe; replaces isoleucine 787 with phenylalanine.
Molecular consequence: missense variant. On other transcripts: non-coding transcript variant (2).
Genome position (GRCh38, 1-based): chr7:150,950,207, T>A on the plus strand (A>T on the coding strand, the complement: KCNH2 is on the minus strand). VCF-style: chr7-150950207-T-A. GRCh37 (hg19) VCF-style: chr7-150647295-T-A.
Other names: c.1339A>T, p.Ile447Phe (NM_001204798.2, NM_172057.3); c.2071A>T, p.Ile691Phe (NM_001406753.1, NM_001406756.1); c.2182A>T, p.Ile728Phe (NM_001406755.1); c.2059A>T, p.Ile687Phe (NM_001406757.1); c.2359A>T, p.Ile787Phe (NM_172056.3); short protein forms I447F, I687F, I691F, I728F, I787F.
Identifiers: ClinVar variation 3073498 (VCV003073498.1), dbSNP rs2486024799, ClinGen allele CA369856048.